The following is an entry in ClinVar:

ClinVar aggregate classification (germline): Benign/Likely benign. Review status: criteria provided, multiple submitters, no conflicts (2 of 4 stars). 2 submissions from 2 submitters: Benign (1); Likely benign (1). Last evaluated 2025-08-13.

Conditions:
Melanoma-pancreatic cancer syndrome. Identifiers: Orphanet 404560, MedGen C1838547, MONDO:0011713, OMIM 606719. Disease mechanism: loss of function.
Hereditary cancer-predisposing syndrome. Also called: Tumor predisposition; Hereditary Cancer Syndrome; Hereditary neoplastic syndrome; Neoplastic Syndromes, Hereditary. Identifiers: Orphanet 140162, MedGen C0027672, MeSH D009386, MONDO:0015356.

gnomAD v4.1: 2 of 1,601,212 alleles (0.00012%); highest among the groups gnomAD compares: East Asian, 0.0022%; no homozygotes.

Submissions (2):

Myriad Genetics, Inc.
Classification: Benign for Melanoma-pancreatic cancer syndrome. Last evaluated: 2025-08-13. Review status: criteria provided, single submitter. Criteria: Myriad Autosomal Dominant, Autosomal Recessive and X-Linked Classification Criteria (2023). Collection method: clinical testing. Allele origin: unknown.
Comment: This variant is considered benign. This variant is a silent/synonymous amino acid change and it is not expected to impact splicing.

Ambry Genetics
Classification: Likely benign for Hereditary cancer-predisposing syndrome. Last evaluated: 2025-01-05. Review status: criteria provided, single submitter. Criteria: Ambry Variant Classification Scheme 2023. Collection method: clinical testing. Allele origin: germline.

NM_000077.5(CDKN2A):c.15G>C (p.Ala5=)

Gene: CDKN2A (cyclin dependent kinase inhibitor 2A; minus strand). Cytogenetic location: 9p21.3.
Variant type: single nucleotide variant.
Coding change: c.15G>C on transcript NM_000077.5; coding-DNA position 15, G replaced by C.
Protein change: p.Ala5=; no amino-acid change (alanine 5 retained).
Molecular consequence: synonymous variant (on NM_000077.6). On other transcripts: intron variant (2).
Genome position (GRCh38, 1-based): chr9:21,974,813, C>G on the plus strand (G>C on the coding strand, the complement: CDKN2A is on the minus strand). VCF-style: chr9-21974813-C-G. GRCh37 (hg19) VCF-style: chr9-21974812-C-G.
Other names: c.15G>C, p.Ala5= (NM_000077.6, NM_001195132.2, NM_058197.5); c.-3-3605G>C (NM_001363763.2); c.194-3605G>C (NM_058195.4).
Identifiers: ClinVar variation 3830994 (VCV003830994.2).
Genomic context (GRCh38, chr9:21,974,813, plus strand): 5'-TACCCGACCCCGGGCCGCGGCCGTGGCCAGCCAGTCAGCCGAAGGCTCCATGCTGCTCCC[C>G]GCCGCCGGCTCCATGCTGCTCCCCGCCGCCCGCTGCCTGCTCTCCCCCTCTCCGCAGCCG-3'
Protein context (NP_000068.1, residues 1-15): MEPA[Ala5=]GSSMEPSADW